The following is an entry in ClinVar:

NM_000038.6(APC):c.1235A>G (p.Gln412Arg)

Gene: APC (APC regulator of Wnt signaling pathway; plus strand). Cytogenetic location: 5q22.2.
Variant type: single nucleotide variant.
Coding change: c.1235A>G on transcript NM_000038.6 (MANE Select); coding-DNA position 1235, A replaced by G.
Protein change: p.Gln412Arg; replaces glutamine 412 with arginine.
Molecular consequence: missense variant. On other transcripts: splice acceptor variant (15), non-coding transcript variant (2).
Genome position (GRCh38, 1-based): chr5:112,819,267, A>G. VCF-style: chr5-112819267-A-G. GRCh37 (hg19) VCF-style: chr5-112154964-A-G.
Other names: c.1235A>G, p.Gln412Arg (NM_001127510.3, NM_001354895.2, NM_001354896.2 and 4 more transcripts); c.1181A>G, p.Gln394Arg (NM_001127511.3); c.1265A>G, p.Gln422Arg (NM_001354897.2, NM_001407446.1); c.1160A>G, p.Gln387Arg (NM_001354898.2, NM_001407451.1); c.1151A>G, p.Gln384Arg (NM_001354899.2, NM_001407452.1); c.1058A>G, p.Gln353Arg (NM_001354900.2, NM_001354901.2, NM_001407453.1); c.386A>G, p.Gln129Arg (NM_001354906.2, NM_001407470.1); c.934-2A>G (NM_001407460.1, NM_001407457.1, NM_001407458.1 and 5 more transcripts); and 5 more; short protein forms Q353R, Q387R, Q412R, Q422R, Q394R, Q129R, Q384R.
Identifiers: ClinVar variation 3305071 (VCV003305071.1).

ClinVar aggregate classification (germline): Uncertain significance (1 of 4 stars; one submission).

Conditions:
Hereditary cancer-predisposing syndrome. Also called: Tumor predisposition; Hereditary Cancer Syndrome; Hereditary neoplastic syndrome; Neoplastic Syndromes, Hereditary. Identifiers: Orphanet 140162, MedGen C0027672, MeSH D009386, MONDO:0015356.

Submission:

Ambry Genetics
Classification: Uncertain significance for Hereditary cancer-predisposing syndrome. Last evaluated: 2024-05-02. Review status: criteria provided, single submitter. Criteria: Ambry Variant Classification Scheme 2023. Collection method: clinical testing. Allele origin: germline.
Comment: The p.Q412R variant (also known as c.1235A>G), located in coding exon 9 of the APC gene, results from an A to G substitution at nucleotide position 1235. The glutamine at codon 412 is replaced by arginine, an amino acid with highly similar properties. This amino acid position is conserved. In addition, in silico predictors for this gene do not accurately predict pathogenicity. Based on the available evidence, the clinical significance of this variant remains unclear.